The following is an entry in ClinVar:

NM_001363711.2(DUOX2):c.202G>C (p.Gly68Arg)

Gene: DUOX2 (dual oxidase 2; minus strand). Cytogenetic location: 15q21.1.
Variant type: single nucleotide variant.
Coding change: c.202G>C on transcript NM_001363711.2 (MANE Select); coding-DNA position 202, G replaced by C.
Protein change: p.Gly68Arg; replaces glycine 68 with arginine.
Molecular consequence: missense variant.
Genome position (GRCh38, 1-based): chr15:45,112,677, C>G on the plus strand (G>C on the coding strand, the complement: DUOX2 is on the minus strand). VCF-style: chr15-45112677-C-G. GRCh37 (hg19) VCF-style: chr15-45404875-C-G.
Other names: c.202G>C, p.Gly68Arg (NM_014080.5); short protein forms G68R.
Identifiers: ClinVar variation 1522942 (VCV001522942.3), dbSNP rs886051198, ClinGen allele CA392279815.
Genomic context (GRCh38, chr15:45,112,677, plus strand): 5'-CTGCGTTGCTGAGCCGGCGCGGGTTGGGCAGCTGCGGCTCCTCCAGAGCCTGATACACAC[C>G]GTCGGCGTAATTGGCTGGTACGCGGCGCTGCAACCGGCAGCCTGCGGAGGCAGGGAGCGG-3'
Protein context (NP_001350640.1, residues 58-78): QRRVPANYAD[Gly68Arg]VYQALEEPQL

ClinVar aggregate classification (germline): Uncertain significance (1 of 4 stars; one submission).

gnomAD v4.1: 2 of 1,612,630 alleles (0.00012%); highest among the groups gnomAD compares: Non-Finnish European, 0.00017%; no homozygotes.

Submission:

Labcorp Genetics (formerly Invitae), Labcorp
Classification: Uncertain significance. Last evaluated: 2022-02-10. Review status: criteria provided, single submitter. Criteria: Invitae Variant Classification Sherloc (09022015). Collection method: clinical testing. Allele origin: germline.
Comment: This sequence change replaces glycine, which is neutral and non-polar, with arginine, which is basic and polar, at codon 68 of the DUOX2 protein (p.Gly68Arg). This variant is not present in population databases (gnomAD no frequency). This variant has not been reported in the literature in individuals affected with DUOX2-related conditions. Advanced modeling of protein sequence and biophysical properties (such as structural, functional, and spatial information, amino acid conservation, physicochemical variation, residue mobility, and thermodynamic stability) performed at Invitae indicates that this missense variant is expected to disrupt DUOX2 protein function. In summary, the available evidence is currently insufficient to determine the role of this variant in disease. Therefore, it has been classified as a Variant of Uncertain Significance.